The following is an entry in ClinVar:

ClinVar aggregate classification (germline): Likely benign. Review status: criteria provided, single submitter (1 of 4 stars). 2 submissions from 2 submitters: Likely benign (1). 1 of the submissions does not count toward it. Last evaluated 2022-12-01.

Conditions:
Rubinstein-Taybi syndrome due to EP300 haploinsufficiency. Also called: RUBINSTEIN-TAYBI SYNDROME 2; EP300-Related Rubinstein-Taybi Syndrome. Identifiers: Orphanet 353284, Orphanet 783, MedGen C3150941, MONDO:0013364, OMIM 613684.
EP300-related disorder. Also called: EP300-related condition; EP300-related disorders.

Allele frequency attached by ClinVar (database versions not stated): gnomAD exomes below 0.00001; TOPMed 0.00002; ExAC 0.00003; gnomAD 0.00003.

Submissions (2):

Labcorp Genetics (formerly Invitae), Labcorp
Classification: Likely benign for Rubinstein-Taybi syndrome due to EP300 haploinsufficiency. Last evaluated: 2022-12-01. Review status: criteria provided, single submitter. Criteria: Invitae Variant Classification Sherloc (09022015). Collection method: clinical testing. Allele origin: germline.

PreventionGenetics, part of Exact Sciences
Classification: Likely benign for EP300-related condition. Last evaluated: 2019-07-15. Review status: no assertion criteria provided. Collection method: clinical testing. Allele origin: germline. Not counted in ClinVar's aggregate classification.
Comment: This variant is classified as likely benign based on ACMG/AMP sequence variant interpretation guidelines (Richards et al. 2015 PMID: 25741868, with internal and published modifications).

NM_001429.4(EP300):c.2053+8_2053+11del

Gene: EP300 (EP300 lysine acetyltransferase; plus strand). Cytogenetic location: 22q13.2.
Variant type: Deletion.
Coding change: c.2053+8_2053+11del on transcript NM_001429.4 (MANE Select); bases 8 to 11 of the intron after coding-DNA position 2053, 4 bases deleted (GTTT; older notation c.2053+8_2053+11delGTTT).
Molecular consequence: intron variant.
Genome position (GRCh38, 1-based): chr22:41,141,230-41,141,233, GTTT deleted. VCF-style (leftmost placement, unchanged base first): chr22-41141229-GGTTT-G. GRCh37 (hg19) VCF-style: chr22-41537233-GGTTT-G.
Other names: c.2053+8_2053+11del (NM_001362843.2); c.2053+8_2053+11delGTTT (NM_001429.3).
Identifiers: ClinVar variation 2895293 (VCV002895293.5), dbSNP rs763761484, ClinGen allele CA10252697.
Genomic context (GRCh38, chr22:41,141,229, plus strand): 5'-TTTCCATGAATCCAGGGCCTAACATGGGACAGCCGCAACCAGGAATGACTTCTAGTAAGT[GGTTT>G]TTGTTATATTTCTGTTTGAGAGAAATTGATAATAAAATAGTTTCTATCTAAAGTCATTAA-3'